The following is an entry in ClinVar:

ClinVar aggregate classification (germline): Likely pathogenic (0 of 4 stars; one submission).

Conditions:
Marfan syndrome (MFS). Also called: MARFAN SYNDROME, TYPE I; FBN1-Related Marfan Syndrome; Marfan syndrome type 1; Marfan's syndrome; Marfan syndrome, classic. Identifiers: Orphanet 284963, Orphanet 558, MedGen C0024796, MONDO:0007947, OMIM 154700.

Submission:

deCODE genetics, Amgen
Classification: Likely pathogenic for Marfan syndrome. Last evaluated: 2023-07-21. Review status: no assertion criteria provided. Collection method: research. Allele origin: germline. Affected: yes. Observed: 1 variant allele.
Comment: The variant NM_000138.5:c.4007_4010del (chr15:48474604) in FBN1 was detected in 1 heterozygote out of 58K WGS Icelanders (MAF= 0,001%). This variant has not been reported in ClinVar previously. Based on ACMG criteria (PVS1, PM2) this variant classifies as likely pathogenic.

NM_000138.5(FBN1):c.4007_4010del (p.His1336fs)

Gene: FBN1 (fibrillin 1; minus strand). Cytogenetic location: 15q21.1.
Variant type: Deletion.
Coding change: c.4007_4010del on transcript NM_000138.5 (MANE Select); coding-DNA positions 4007 to 4010, 4 bases deleted (ATGC; older notation c.4007_4010delATGC).
Protein change: p.His1336fs; shifts the reading frame from histidine 1336.
Molecular consequence: frameshift variant.
Genome position (GRCh38, 1-based): chr15:48,474,605-48,474,608, GCAT deleted on the plus strand (ATGC on the coding strand, the reverse complement: FBN1 is on the minus strand); deleting any 4 consecutive bases within chr15:48,474,605-48,474,609 gives the same sequence; the c. name uses the placement nearest the transcript's 3' end. VCF-style (leftmost placement, unchanged base first): chr15-48474604-AGCAT-A. GRCh37 (hg19) VCF-style: chr15-48766801-AGCAT-A.
Other names: c.4007_4010del, p.His1336fs (NM_001406716.1); short protein forms H1336fs.
Identifiers: ClinVar variation 2574101 (VCV002574101.1), dbSNP rs2505518828, ClinGen allele CA2697549055.
Genomic context (GRCh38, chr15:48,474,604, plus strand): 5'-ATCTCCAATCCACCCGGGACTGCAGCTACATTTGAAGCTTCCTGCTGTATTGGTACATAC[AGCAT>A]GTTTGCCACAGTTGTGTGCTCCAATTTCACATTCATTGATGTCTGGAAAAATGAGCAGTG-3'